The following is an entry in ClinVar:

NM_198578.4(LRRK2):c.2684G>A (p.Ser895Asn)

Gene: LRRK2 (leucine rich repeat kinase 2; plus strand). Cytogenetic location: 12q12.
Variant type: single nucleotide variant.
Coding change: c.2684G>A on transcript NM_198578.4 (MANE Select); coding-DNA position 2684, G replaced by A.
Protein change: p.Ser895Asn; replaces serine 895 with asparagine.
Molecular consequence: missense variant.
Genome position (GRCh38, 1-based): chr12:40,287,534, G>A. VCF-style: chr12-40287534-G-A. GRCh37 (hg19) VCF-style: chr12-40681336-G-A.
Other names: short protein forms S895N.
Identifiers: ClinVar variation 1712592 (VCV001712592.3), dbSNP rs1943976732, ClinGen allele CA384409284.

ClinVar aggregate classification (germline): Uncertain significance. Review status: criteria provided, multiple submitters, no conflicts (2 of 4 stars). 2 submissions from 2 submitters: Uncertain significance (2). Last evaluated 2024-11-14.

Conditions:
Inborn genetic diseases. Identifiers: MedGen C0950123, MeSH D030342.

Allele frequency attached by ClinVar (database versions not stated): gnomAD exomes below 0.00001; TOPMed below 0.00001.
gnomAD v4.1: 3 of 1,611,002 alleles (0.00019%); highest among the groups gnomAD compares: South Asian, 0.0033%; no homozygotes.

Submissions (2):

Ambry Genetics
Classification: Uncertain significance for Inborn genetic diseases. Last evaluated: 2024-11-14. Review status: criteria provided, single submitter. Criteria: Ambry Variant Classification Scheme 2023. Collection method: clinical testing. Allele origin: germline.
Comment: The p.S895N variant (also known as c.2684G>A), located in coding exon 20 of the LRRK2 gene, results from a G to A substitution at nucleotide position 2684. The serine at codon 895 is replaced by asparagine, an amino acid with highly similar properties. This amino acid position is conserved. In addition, this alteration is predicted to be tolerated by in silico analysis. Based on the available evidence, the clinical significance of this variant remains unclear.

GeneDx
Classification: Uncertain significance. Last evaluated: 2022-04-26. Review status: criteria provided, single submitter. Criteria: GeneDx Variant Classification Process June 2021. Collection method: clinical testing. Allele origin: germline. Affected: yes.
Comment: Not observed at significant frequency in large population cohorts (gnomAD); In silico analysis supports that this missense variant does not alter protein structure/function; Has not been previously published as pathogenic or benign to our knowledge